The following is an entry in ClinVar:

NM_005633.4(SOS1):c.356G>A (p.Gly119Asp)

Gene: SOS1 (SOS Ras/Rac guanine nucleotide exchange factor 1; minus strand). Cytogenetic location: 2p22.1.
Variant type: single nucleotide variant.
Coding change: c.356G>A on transcript NM_005633.4 (MANE Select); coding-DNA position 356, G replaced by A.
Protein change: p.Gly119Asp; replaces glycine 119 with aspartic acid.
Molecular consequence: missense variant.
Genome position (GRCh38, 1-based): chr2:39,056,856, C>T on the plus strand (G>A on the coding strand, the complement: SOS1 is on the minus strand). VCF-style: chr2-39056856-C-T. GRCh37 (hg19) VCF-style: chr2-39283997-C-T.
Other names: c.335G>A, p.Gly112Asp (NM_001382394.1); c.356G>A, p.Gly119Asp (NM_001382395.1); short protein forms G119D, G112D.
Identifiers: ClinVar variation 2011417 (VCV002011417.4), dbSNP rs777484168, ClinGen allele CA1624799.

ClinVar aggregate classification (germline): Uncertain significance (1 of 4 stars; one submission).

Conditions:
RASopathy. Also called: rasopathies; Noonan spectrum disorder. Identifiers: Orphanet 536391, MedGen C5555857, MONDO:0021060.

Allele frequency attached by ClinVar (database versions not stated): ExAC 0.00001.
gnomAD v4.1: 2 of 1,604,370 alleles (0.00012%); highest among the groups gnomAD compares: Non-Finnish European, 0.00017%; no homozygotes.

Submission:

Labcorp Genetics (formerly Invitae), Labcorp
Classification: Uncertain significance for RASopathy. Last evaluated: 2022-06-27. Review status: criteria provided, single submitter. Criteria: Invitae Variant Classification Sherloc (09022015). Collection method: clinical testing. Allele origin: germline.
Comment: In summary, the available evidence is currently insufficient to determine the role of this variant in disease. Therefore, it has been classified as a Variant of Uncertain Significance. Advanced modeling of protein sequence and biophysical properties (such as structural, functional, and spatial information, amino acid conservation, physicochemical variation, residue mobility, and thermodynamic stability) performed at Invitae indicates that this missense variant is expected to disrupt SOS1 protein function. This variant has not been reported in the literature in individuals affected with SOS1-related conditions. This variant is present in population databases (rs777484168, gnomAD 0.0009%). This sequence change replaces glycine, which is neutral and non-polar, with aspartic acid, which is acidic and polar, at codon 119 of the SOS1 protein (p.Gly119Asp).